The following is an entry in ClinVar:

ClinVar aggregate classification (germline): Uncertain significance. Review status: criteria provided, multiple submitters, no conflicts (2 of 4 stars). 3 submissions from 3 submitters: Uncertain significance (3). Last evaluated 2026-02-26.

Allele frequency attached by ClinVar (database versions not stated): gnomAD 0.00001; TOPMed 0.00002; gnomAD exomes 0.00005; ExAC 0.00006.
gnomAD v4.1: 75 of 1,613,774 alleles (0.0046%); highest among the groups gnomAD compares: Middle Eastern, 0.033%; no homozygotes.

Submissions (3):

Dasa
Classification: Uncertain significance. Last evaluated: 2026-02-26. Review status: criteria provided, single submitter. Criteria: DASA Assertion Criteria. Collection method: clinical testing. Allele origin: germline.
Comment: NM_000350.3(ABCA4):c.5462C>T (p.Thr1821Met) is a missense variant that results in the substitution of threonine with methionine. This variant has been observed in affected individuals with ABCA4-related disorders. Also, this variant is rare in population databases. The currently available literature and clinical evidence are not sufficient to establish a definitive association between this variant and the reported condition. Therefore, this variant is classified as a variant of uncertain significance.

Blueprint Genetics
Classification: Uncertain significance. Last evaluated: 2024-10-09. Review status: criteria provided, single submitter. Criteria: ACMG Guidelines, 2015. Collection method: clinical testing. Allele origin: germline.

Labcorp Genetics (formerly Invitae), Labcorp
Classification: Uncertain significance. Last evaluated: 2022-07-05. Review status: criteria provided, single submitter. Criteria: Invitae Variant Classification Sherloc (09022015). Collection method: clinical testing. Allele origin: germline.
Comment: This sequence change replaces threonine, which is neutral and polar, with methionine, which is neutral and non-polar, at codon 1821 of the ABCA4 protein (p.Thr1821Met). This variant is present in population databases (rs774891564, gnomAD 0.02%). This variant has not been reported in the literature in individuals affected with ABCA4-related conditions. ClinVar contains an entry for this variant (Variation ID: 1497023). Algorithms developed to predict the effect of missense changes on protein structure and function output the following: SIFT: "Tolerated"; PolyPhen-2: "Benign"; Align-GVGD: "Class C0". The methionine amino acid residue is found in multiple mammalian species, which suggests that this missense change does not adversely affect protein function. In summary, the available evidence is currently insufficient to determine the role of this variant in disease. Therefore, it has been classified as a Variant of Uncertain Significance.

NM_000350.3(ABCA4):c.5462C>T (p.Thr1821Met)

Gene: ABCA4 (ATP binding cassette subfamily A member 4; minus strand). Cytogenetic location: 1p22.1.
Variant type: single nucleotide variant.
Coding change: c.5462C>T on transcript NM_000350.3 (MANE Select); coding-DNA position 5462, C replaced by T.
Protein change: p.Thr1821Met; replaces threonine 1821 with methionine.
Molecular consequence: missense variant.
Genome position (GRCh38, 1-based): chr1:94,011,384, G>A on the plus strand (C>T on the coding strand, the complement: ABCA4 is on the minus strand). VCF-style: chr1-94011384-G-A. GRCh37 (hg19) VCF-style: chr1-94476940-G-A.
Other names: c.5240C>T, p.Thr1747Met (NM_001425324.1); short protein forms T1821M, T1747M.
Identifiers: ClinVar variation 1497023 (VCV001497023.6), dbSNP rs774891564, ClinGen allele CA957244.
Genomic context (GRCh38, chr1:94,011,384, plus strand): 5'-AGGCAGAAGTGGGGGAAGACAATGAGCAGCTTCCTCAGCACGGCGTTGAACCTGAGCAGC[G>A]TCTGAAACAGAGAAGTAGGACTGTTGGAAACGGGGCAAACCCCACCCCCCCTCTCTTCAG-3'
Protein context (NP_000341.2, residues 1811-1831): FILELFENNR[Thr1821Met]LLRFNAVLRK